The following is an entry in ClinVar:

ClinVar aggregate classification (germline): Uncertain significance (1 of 4 stars; one submission).

Conditions:
Autosomal recessive limb-girdle muscular dystrophy type 2J (LGMDR10). Also called: Limb-girdle muscular dystrophy, type 2J; MUSCULAR DYSTROPHY, LIMB-GIRDLE, AUTOSOMAL RECESSIVE 10. Identifiers: Orphanet 140922, MedGen C1837342, MONDO:0012127, OMIM 608807.
Dilated cardiomyopathy 1G (CMD1G). Identifiers: Orphanet 154, MedGen C1858763, MONDO:0011400, OMIM 604145.

Submission:

Labcorp Genetics (formerly Invitae), Labcorp
Classification: Uncertain significance for Dilated cardiomyopathy 1G; Autosomal recessive limb-girdle muscular dystrophy type 2J. Last evaluated: 2024-02-17. Review status: criteria provided, single submitter. Criteria: Invitae Variant Classification Sherloc (09022015). Collection method: clinical testing. Allele origin: germline.
Comment: This sequence change replaces serine, which is neutral and polar, with threonine, which is neutral and polar, at codon 35487 of the TTN protein (p.Ser35487Thr). This variant is not present in population databases (gnomAD no frequency). This variant has not been reported in the literature in individuals affected with TTN-related conditions. Experimental studies and prediction algorithms are not available or were not evaluated, and the functional significance of this variant is currently unknown. This variant is located in the M band of TTN (PMID: 25589632). Non-truncating variants in this region may be relevant for neuromuscular disorders, but have not been definitively shown to cause cardiomyopathy (PMID: 23975875). In summary, the available evidence is currently insufficient to determine the role of this variant in disease. Therefore, it has been classified as a Variant of Uncertain Significance.

Literature cited by the submitters: PubMed 25589632; PubMed 23975875.

NM_001267550.2(TTN):c.106460G>C (p.Ser35487Thr)

Genes: TTN-AS1 (TTN antisense RNA 1; plus strand), TTN (titin; minus strand). Cytogenetic location: 2q31.2.
Variant type: single nucleotide variant.
Coding change: c.106460G>C on transcript NM_001267550.2 (MANE Select); coding-DNA position 106460, G replaced by C.
Protein change: p.Ser35487Thr; replaces serine 35487 with threonine.
Molecular consequence: missense variant.
Genome position (GRCh38, 1-based): chr2:178,530,031, C>G on the plus strand (G>C on the coding strand, the complement: TTN is on the minus strand). VCF-style: chr2-178530031-C-G. GRCh37 (hg19) VCF-style: chr2-179394758-C-G.
Other names: c.101537G>C, p.Ser33846Thr (NM_001256850.1); c.79265G>C, p.Ser26422Thr (NM_003319.4); c.98756G>C, p.Ser32919Thr (NM_133378.4); c.79640G>C, p.Ser26547Thr (NM_133432.3); c.79841G>C, p.Ser26614Thr (NM_133437.4); short protein forms S26422T, S26547T, S26614T, S32919T, S33846T, S35487T.
Identifiers: ClinVar variation 3752201 (VCV003752201.2).